The following is an entry in ClinVar:

ClinVar aggregate classification (germline): Conflicting classifications of pathogenicity. Review status: criteria provided, conflicting classifications (1 of 4 stars). 3 submissions from 3 submitters: Uncertain significance (2); Likely benign (1). Last evaluated 2025-12-20.

Conditions:
Cardiovascular phenotype. Identifiers: MedGen CN230736.
Hypercholesterolemia, autosomal dominant, type B (FHCL2). Also called: APOB-Related Familial Hypercholesterolemia, Autosomal Dominant; Hyperlipoproteinemia Type IIb; Familial Hypercholesterolemia Type B; APOLIPOPROTEIN B-100, FAMILIAL DEFECTIVE; APOLIPOPROTEIN B-100, FAMILIAL LIGAND-DEFECTIVE; Familial hypercholesterolemia 2. Identifiers: MedGen C1704417, MONDO:0007751, OMIM 144010.
Familial hypobetalipoproteinemia 1. Also called: APOB-Related Familial Hypobetalipoproteinemia; Hypobetalipoproteinemia, normotriglyceridemic; Acanthocytosis with hypobetalipoproteinemia. Identifiers: MedGen C4551990, MONDO:0014252, OMIM 615558.

Allele frequency attached by ClinVar (database versions not stated): gnomAD exomes 0.00002 and 0.00001; TOPMed below 0.00001; gnomAD 0.00001.
gnomAD v4.1: 6 of 1,613,892 alleles (0.00037%); highest among the groups gnomAD compares: Admixed American, 0.0033%; no homozygotes.

Submissions (3):

Labcorp Genetics (formerly Invitae), Labcorp
Classification: Likely benign for Familial hypobetalipoproteinemia 1; Hypercholesterolemia, autosomal dominant, type B. Last evaluated: 2025-12-20. Review status: criteria provided, single submitter. Criteria: Invitae Variant Classification Sherloc (09022015). Collection method: clinical testing. Allele origin: germline.

Ambry Genetics
Classification: Uncertain significance for Cardiovascular phenotype. Last evaluated: 2025-02-15. Review status: criteria provided, single submitter. Criteria: Ambry Variant Classification Scheme 2023. Collection method: clinical testing. Allele origin: germline.
Comment: The p.Y3272C variant (also known as c.9815A>G), located in coding exon 26 of the APOB gene, results from an A to G substitution at nucleotide position 9815. The tyrosine at codon 3272 is replaced by cysteine, an amino acid with highly dissimilar properties. This amino acid position is conserved. In addition, this alteration is predicted to be tolerated by in silico analysis. Based on the available evidence, the clinical significance of this variant remains unclear.

Fulgent Genetics
Classification: Uncertain significance for Hypercholesterolemia, autosomal dominant, type B; Familial hypobetalipoproteinemia 1. Last evaluated: 2021-09-09. Review status: criteria provided, single submitter. Criteria: ACMG Guidelines, 2015. Collection method: clinical testing. Allele origin: unknown.

NM_000384.3(APOB):c.9815A>G (p.Tyr3272Cys)

Gene: APOB (apolipoprotein B; minus strand). Cytogenetic location: 2p24.1.
Variant type: single nucleotide variant.
Coding change: c.9815A>G on transcript NM_000384.3 (MANE Select); coding-DNA position 9815, A replaced by G.
Protein change: p.Tyr3272Cys; replaces tyrosine 3272 with cysteine.
Molecular consequence: missense variant.
Genome position (GRCh38, 1-based): chr2:21,007,053, T>C on the plus strand (A>G on the coding strand, the complement: APOB is on the minus strand). VCF-style: chr2-21007053-T-C. GRCh37 (hg19) VCF-style: chr2-21229925-T-C.
Other names: short protein forms Y3272C.
Identifiers: ClinVar variation 629221 (VCV000629221.10), dbSNP rs1220960430, ClinGen allele CA345988680.
Genomic context (GRCh38, chr2:21,007,053, plus strand): 5'-ACACGGACGTCAGAACCTAGGATGGAGAAACTAGGCATGCTGACTGCTTTTGGGAACACA[T>C]AGCCGAATGCCGACATCTCTATGGTGAATGGAGACACTTCAACATTGACAACTGGAACAG-3'
Protein context (NP_000375.3, residues 3262-3282): PFTIEMSAFG[Tyr3272Cys]VFPKAVSMPS